The following is an entry in ClinVar:

NM_001122764.3(PPOX):c.851G>T (p.Ser284Ile)

Gene: PPOX (protoporphyrinogen oxidase; plus strand). Cytogenetic location: 1q23.3.
Variant type: single nucleotide variant.
Coding change: c.851G>T on transcript NM_001122764.3 (MANE Select); coding-DNA position 851, G replaced by T.
Protein change: p.Ser284Ile; replaces serine 284 with isoleucine.
Molecular consequence: missense variant.
Genome position (GRCh38, 1-based): chr1:161,169,703, G>T. VCF-style: chr1-161169703-G-T. GRCh37 (hg19) VCF-style: chr1-161139493-G-T.
Other names: c.851G>T, p.Ser284Ile (NM_000309.5, NM_001365398.1, NM_001365399.1); c.752G>T, p.Ser251Ile (NM_001350128.2); c.443G>T, p.Ser148Ile (NM_001350129.2, NM_001365400.1); c.365G>T, p.Ser122Ile (NM_001350130.2, NM_001350131.2, NM_001365401.1); short protein forms S122I, S284I, S251I, S148I.
Identifiers: ClinVar variation 1403096 (VCV001403096.8), dbSNP rs2101886576, ClinGen allele CA343356050.

ClinVar aggregate classification (germline): Uncertain significance (1 of 4 stars; one submission).

Submission:

Labcorp Genetics (formerly Invitae), Labcorp
Classification: Uncertain significance. Last evaluated: 2021-05-10. Review status: criteria provided, single submitter. Criteria: Invitae Variant Classification Sherloc (09022015). Collection method: clinical testing. Allele origin: germline.
Comment: Algorithms developed to predict the effect of missense changes on protein structure and function are either unavailable or do not agree on the potential impact of this missense change (SIFT: "Tolerated"; PolyPhen-2: "Probably Damaging"; Align-GVGD: "Class C0"). In summary, the available evidence is currently insufficient to determine the role of this variant in disease. Therefore, it has been classified as a Variant of Uncertain Significance. This variant has been observed in individual(s) with variegate porphyria (PMID: 12699245, 19656455, Invitae). This variant is not present in population databases (ExAC no frequency). This sequence change replaces serine with isoleucine at codon 284 of the PPOX protein (p.Ser284Ile). The serine residue is moderately conserved and there is a large physicochemical difference between serine and isoleucine.

Literature cited by the submitters: PubMed 12699245; PubMed 19656455.